The following is an entry in ClinVar:

NM_000535.7(PMS2):c.736C>T (p.Pro246Ser)

Gene: PMS2 (PMS1 homolog 2, mismatch repair system component; minus strand). Cytogenetic location: 7p22.1.
Variant type: single nucleotide variant.
Coding change: c.736C>T on transcript NM_000535.7 (MANE Select); coding-DNA position 736, C replaced by T.
Protein change: p.Pro246Ser; replaces proline 246 with serine.
Molecular consequence: missense variant. On other transcripts: 5 prime UTR variant (2), non-coding transcript variant (1).
Genome position (GRCh38, 1-based): chr7:5,997,393, G>A on the plus strand (C>T on the coding strand, the complement: PMS2 is on the minus strand). VCF-style: chr7-5997393-G-A. GRCh37 (hg19) VCF-style: chr7-6037024-G-A.
Other names: c.331C>T, p.Pro111Ser (NM_001322003.2, NM_001322004.2, NM_001322005.2 and 2 more transcripts); c.736C>T, p.Pro246Ser (NM_001322006.2, NM_001322014.2); c.418C>T, p.Pro140Ser (NM_001322007.2, NM_001322008.2); c.-198C>T (NM_001322011.2, NM_001322012.2); c.163C>T, p.Pro55Ser (NM_001322013.2); c.427C>T, p.Pro143Ser (NM_001322015.2); short protein forms P246S, P140S, P55S, P111S, P143S.
Identifiers: ClinVar variation 486931 (VCV000486931.14), dbSNP rs765668173, ClinGen allele CA366743739.
Genomic context (GRCh38, chr7:5,997,393, plus strand): 5'-GATTATGCAGAGCATCGGAACAGCTCAAACCGTACTCTTCACACACGGAGTCACTAGGGG[G>A]CAGCTGAACAAAAGGAATGAGGCTTTGCAACTGAAAAAAAAAAAAAAAAATTCACAGTTA-3'
Protein context (NP_000526.2, residues 236-256): LQSLIPFVQL[Pro246Ser]PSDSVCEEYG

ClinVar aggregate classification (germline): Uncertain significance. Review status: criteria provided, multiple submitters, no conflicts (2 of 4 stars). 2 submissions from 2 submitters: Uncertain significance (2). Last evaluated 2023-12-27.

Conditions:
Hereditary cancer-predisposing syndrome. Also called: Tumor predisposition; Hereditary Cancer Syndrome; Hereditary neoplastic syndrome; Neoplastic Syndromes, Hereditary. Identifiers: Orphanet 140162, MedGen C0027672, MeSH D009386, MONDO:0015356.
Hereditary nonpolyposis colorectal neoplasms. Identifiers: MedGen C0009405, MeSH D003123.

gnomAD v4.1: 3 of 1,602,504 alleles (0.00019%); highest among the groups gnomAD compares: Non-Finnish European, 0.00026%; no homozygotes.

Submissions (2):

Labcorp Genetics (formerly Invitae), Labcorp
Classification: Uncertain significance for Hereditary nonpolyposis colorectal neoplasms. Last evaluated: 2023-12-27. Review status: criteria provided, single submitter. Criteria: Invitae Variant Classification Sherloc (09022015). Collection method: clinical testing. Allele origin: germline.
Comment: This sequence change replaces proline, which is neutral and non-polar, with serine, which is neutral and polar, at codon 246 of the PMS2 protein (p.Pro246Ser). This variant is not present in population databases (gnomAD no frequency). This variant has not been reported in the literature in individuals affected with PMS2-related conditions. ClinVar contains an entry for this variant (Variation ID: 486931). Advanced modeling of protein sequence and biophysical properties (such as structural, functional, and spatial information, amino acid conservation, physicochemical variation, residue mobility, and thermodynamic stability) performed at Invitae indicates that this missense variant is not expected to disrupt PMS2 protein function with a negative predictive value of 80%. In summary, the available evidence is currently insufficient to determine the role of this variant in disease. Therefore, it has been classified as a Variant of Uncertain Significance.

Ambry Genetics
Classification: Uncertain significance for Hereditary cancer-predisposing syndrome. Last evaluated: 2016-06-21. Review status: criteria provided, single submitter. Criteria: Ambry Variant Classification Scheme 2023. Collection method: clinical testing. Allele origin: germline.
Comment: The p.P246S variant (also known as c.736C>T), located in coding exon 7 of the PMS2 gene, results from a C to T substitution at nucleotide position 736. The proline at codon 246 is replaced by serine, an amino acid with similar properties. This variant was not reported in population based cohorts in the following databases: Database of Single Nucleotide Polymorphisms (dbSNP), NHLBI Exome Sequencing Project (ESP), and 1000 Genomes Project. In the ESP, this variant was not observed in 6503 samples (13006 alleles) with coverage at this position. To date, this alteration has been detected with an allele frequency of approximately 0.001% (greater than 150000 alleles tested) in our clinical cohort. This amino acid position is well conserved in available vertebrate species. In addition, this alteration is predicted to be tolerated by in silico analysis. Since supporting evidence is limited at this time, the clinical significance of this alteration remains unclear.